The following is an entry in ClinVar:

NM_000075.4(CDK4):c.132_143dup (p.Gly45_Gly48dup)

Genes: CDK4 (cyclin dependent kinase 4; minus strand), LOC130008148 (ATAC-STARR-seq lymphoblastoid silent region 4588; plus strand). Cytogenetic location: 12q14.1.
Variant type: Duplication.
Coding change: c.132_143dup on transcript NM_000075.4 (MANE Select); coding-DNA positions 132 to 143, 12 bases duplicated (AGGTGGAGGAGG).
Protein change: p.Gly45_Gly48dup.
Molecular consequence: inframe insertion.
Genome position (GRCh38, 1-based): chr12:57,751,575-57,751,586, CCTCCTCCACCT duplicated on the plus strand (AGGTGGAGGAGG on the coding strand, the reverse complement: CDK4 is on the minus strand); duplicating any 12 consecutive bases within chr12:57,751,575-57,751,595 gives the same sequence; the c. name uses the placement nearest the transcript's 3' end. VCF-style (leftmost placement, unchanged base first): chr12-57751574-G-GCCTCCTCCACCT. GRCh37 (hg19) VCF-style: chr12-58145357-G-GCCTCCTCCACCT.
Other names: c.132_143dupAGGTGGAGGAGG (NM_000075.3).
Identifiers: ClinVar variation 844832 (VCV000844832.13), dbSNP rs749094206, ClinGen allele CA916081678.

ClinVar aggregate classification (germline): Uncertain significance. Review status: criteria provided, multiple submitters, no conflicts (2 of 4 stars). 2 submissions from 2 submitters: Uncertain significance (2). Last evaluated 2025-09-20.

Conditions:
Hereditary cancer-predisposing syndrome. Also called: Tumor predisposition; Hereditary neoplastic syndrome; Neoplastic Syndromes, Hereditary; Hereditary Cancer Syndrome. Identifiers: Orphanet 140162, MedGen C0027672, MeSH D009386, MONDO:0015356.
Familial melanoma. Also called: Hereditary melanoma; Hereditary cutaneous melanoma. Identifiers: Orphanet 618, MedGen C1512419, MONDO:0018961.

Submissions (2):

Labcorp Genetics (formerly Invitae), Labcorp
Classification: Uncertain significance for Familial melanoma. Last evaluated: 2025-09-20. Review status: criteria provided, single submitter. Criteria: Invitae Variant Classification Sherloc (09022015). Collection method: clinical testing. Allele origin: germline.
Comment: This variant, c.132_143dup, results in the insertion of 4 amino acid(s) of the CDK4 protein (p.Gly45_Gly48dup), but otherwise preserves the integrity of the reading frame. This variant is not present in population databases (gnomAD no frequency). This variant has not been reported in the literature in individuals affected with CDK4-related conditions. ClinVar contains an entry for this variant (Variation ID: 844832). Experimental studies and prediction algorithms are not available or were not evaluated, and the functional significance of this variant is currently unknown. Algorithms developed to predict the effect of sequence changes on RNA splicing suggest that this variant may disrupt the consensus splice site. In summary, the available evidence is currently insufficient to determine the role of this variant in disease. Therefore, it has been classified as a Variant of Uncertain Significance.

Ambry Genetics
Classification: Uncertain significance for Hereditary cancer-predisposing syndrome. Last evaluated: 2024-09-30. Review status: criteria provided, single submitter. Criteria: Ambry Variant Classification Scheme 2023. Collection method: clinical testing. Allele origin: germline.
Comment: The c.132_143dup12 variant (also known as p.G45_G48dup), located in coding exon 1 of the CDK4 gene, results from an in-frame duplication of 12 nucleotides at nucleotide positions 132 to 143. This results in the duplication of 4 extra residues (GGGG) between codons 45 and 48. This amino acid region is not well conserved in available vertebrate species. In addition, this alteration is predicted to be inconclusive by in silico analysis (Choi Y et al. PLoS ONE. 2012; 7(10):e46688). Since supporting evidence is limited at this time, the clinical significance of this alteration remains unclear.